The following is an entry in ClinVar:

NM_007374.3(SIX6):c.705C>T (p.Ile235=)

Genes: C14orf39 (chromosome 14 open reading frame 39; minus strand), SIX6 (SIX homeobox 6; plus strand). Cytogenetic location: 14q23.1.
Variant type: single nucleotide variant.
Coding change: c.705C>T on transcript NM_007374.3 (MANE Select); coding-DNA position 705, C replaced by T.
Protein change: p.Ile235=; no amino-acid change (isoleucine 235 retained).
Molecular consequence: synonymous variant.
Genome position (GRCh38, 1-based): chr14:60,511,216, C>T. VCF-style: chr14-60511216-C-T. GRCh37 (hg19) VCF-style: chr14-60977934-C-T.
Identifiers: ClinVar variation 774001 (VCV000774001.9), dbSNP rs758032582, ClinGen allele CA7212668.

ClinVar aggregate classification (germline): Likely benign. Review status: criteria provided, multiple submitters, no conflicts (2 of 4 stars). 2 submissions from 2 submitters: Likely benign (2). Last evaluated 2026-01-29.

Conditions:
SIX6-related disorder. Also called: SIX6-related condition.

Allele frequency attached by ClinVar (database versions not stated): gnomAD 0.00002; gnomAD exomes 0.00005 and 0.00009; TOPMed 0.00006; ExAC 0.00009.
gnomAD v4.1: 33 of 1,613,234 alleles (0.002%); highest among the groups gnomAD compares: Admixed American, 0.053%; no homozygotes.

Submissions (2):

Labcorp Genetics (formerly Invitae), Labcorp
Classification: Likely benign. Last evaluated: 2026-01-29. Review status: criteria provided, single submitter. Criteria: Invitae Variant Classification Sherloc (09022015). Collection method: clinical testing. Allele origin: germline.

PreventionGenetics, part of Exact Sciences
Classification: Likely benign for SIX6-related condition. Last evaluated: 2025-06-26. Review status: criteria provided, single submitter. Criteria: ACMG Guidelines, 2015. Collection method: clinical testing. Allele origin: germline.
Comment: This variant is classified as likely benign based on ACMG/AMP sequence variant interpretation guidelines (Richards et al. 2015 PMID: 25741868, with internal and published modifications).